The following is an entry in ClinVar:

NM_004284.6(CHD1L):c.781C>T (p.Arg261Ter)

Gene: CHD1L (chromodomain helicase DNA binding protein 1 like; plus strand). Cytogenetic location: 1q21.1.
Variant type: single nucleotide variant.
Coding change: c.781C>T on transcript NM_004284.6 (MANE Select); coding-DNA position 781, C replaced by T.
Protein change: p.Arg261Ter; replaces arginine 261 with a stop codon.
Molecular consequence: nonsense. On other transcripts: 5 prime UTR variant (12), non-coding transcript variant (15).
Genome position (GRCh38, 1-based): chr1:147,265,973, C>T. VCF-style: chr1-147265973-C-T. GRCh37 (hg19) VCF-style: chr1-146737632-C-T.
Other names: c.481C>T, p.Arg161Ter (NM_001256336.3); c.-63C>T (NM_001256337.3, NM_001348456.2, NM_001348457.2 and 9 more transcripts); c.169C>T, p.Arg57Ter (NM_001256338.3); c.565C>T, p.Arg189Ter (NM_001348451.2, NM_001348452.2); c.442C>T, p.Arg148Ter (NM_001348453.2, NM_024568.4); c.325C>T, p.Arg109Ter (NM_001348454.2); c.292C>T, p.Arg98Ter (NM_001348455.2); short protein forms R189*, R148*, R57*, R109*, R161*, R261*, R98*.
Identifiers: ClinVar variation 4979552 (VCV004979552.1).

ClinVar aggregate classification (germline): Uncertain significance (1 of 4 stars; one submission).

Conditions:
CHD1L-related disorder. Also called: CHD1L-related condition.

Submission:

PreventionGenetics, part of Exact Sciences
Classification: Uncertain significance for CHD1L-related condition. Last evaluated: 2026-05-26. Review status: criteria provided, single submitter. Criteria: ACMG Guidelines, 2015. Collection method: clinical testing. Allele origin: germline.
Comment: The CHD1L c.781C>T variant is predicted to result in premature protein termination (p.Arg261*). This variant was reported in an individual with autism spectrum disorder (Griswold et al 2015. PubMed ID: 26185613), and in a patient with congenital anomalies of the kidney and urinary tract (CAKUT), although the variant was not definitively determined to be disease-causing (Table S3, Hwang et al. 2014. PubMed ID: 24429398). This variant is reported in 0.0070% of alleles in individuals of European (Non-Finnish) descent in gnomAD. At this time, the clinical significance of this variant is uncertain due to the absence of conclusive functional and genetic evidence.